The following is an entry in ClinVar:

ClinVar aggregate classification (germline): Pathogenic. Review status: criteria provided, multiple submitters, no conflicts (2 of 4 stars). 14 submissions from 14 submitters: Pathogenic (11). 3 of the submissions do not count toward it. Last evaluated 2026-03-24.

Conditions:
Polycystic kidney disease, adult type (PKD1). Also called: POLYCYSTIC KIDNEY DISEASE, ADULT, TYPE I; Polycystic Kidney Disease 1, Autosomal Dominant; Polycystic kidney disease 1; Polycystic kidney disease 1, severe; Polycystic Kidney, Autosomal Dominant; POLYCYSTIC KIDNEY DISEASE 1 WITH OR WITHOUT POLYCYSTIC LIVER DISEASE. Identifiers: MedGen C3149841, MONDO:0008263, OMIM 173900.
Inborn genetic diseases. Identifiers: MedGen C0950123, MeSH D030342.
Polycystic kidney disease. Also called: Kidney, Polycystic; Polycystic kidney dysplasia. Identifiers: MedGen C0022680, MeSH D007690, MONDO:0020642, HP:0000113.
PKD1-related disorder. Also called: PKD1-related condition.
Autosomal dominant polycystic kidney disease. Identifiers: Orphanet 730, MedGen C0085413, MONDO:0004691.

gnomAD v4.1: 1 of 1,612,464 alleles (0.000062%); highest among the groups gnomAD compares: Non-Finnish European, 0.000085%; no homozygotes.

Submissions (14):

Women's Health and Genetics/Laboratory Corporation of America, LabCorp
Classification: Pathogenic for Polycystic kidney disease, adult type. Last evaluated: 2026-03-24. Review status: criteria provided, single submitter. Criteria: LabCorp Variant Classification Summary - May 2015. Collection method: clinical testing. Allele origin: germline.
Comment: Variant summary: PKD1 c.12010C>T (p.Gln4004X) results in a premature termination codon, predicted to cause a truncation of the encoded protein or absence of the protein due to nonsense mediated decay, which are commonly known mechanisms for disease. The variant allele was found at a frequency of 4.1e-06 in 244454 control chromosomes. c.12010C>T has been observed in individuals affected with Polycystic Kidney Disease 1 (e.g. Xu_2018, Groopman_2019, Ozyavuz_2024). These data indicate that the variant is likely to be associated with disease. The following publications have been ascertained in the context of this evaluation (PMID: 30586318, 38971859, 29529603). ClinVar contains an entry for this variant (Variation ID: 434006). Based on the evidence outlined above, the variant was classified as pathogenic.

Medical and Scientific Branch, Hong Kong Genome Institute
Classification: Pathogenic for Polycystic kidney disease, adult type. Last evaluated: 2026-01-26. Review status: criteria provided, single submitter. Criteria: ACMG Guidelines, 2015. Collection method: clinical testing. Allele origin: unknown. Affected: yes.

Victorian Clinical Genetics Services, Murdoch Childrens Research Institute
Classification: Pathogenic for Polycystic kidney disease, adult type. Last evaluated: 2025-07-27. Review status: criteria provided, single submitter. Criteria: ACMG Guidelines, 2015. Collection method: clinical testing. Allele origin: germline. Affected: yes.
Comment: This variant is classified as Pathogenic. Evidence in support of pathogenic classification: Variant is predicted to cause nonsense-mediated decay (NMD) and loss of protein (premature termination codon is located at least 54 nucleotides upstream of the final exon-exon junction); Variant is present in gnomAD (v2) <0.001 for a dominant condition (1 heterozygote, 0 homozygotes); This variant has strong previous evidence of pathogenicity in unrelated individuals. This variant has been reported multiple times as pathogenic, and has been observed in patients with polycystic kidney disease (ClinVar, PMID: 29529603) - Other NMD-predicted variants comparable to the one identified in this case have very strong previous evidence for pathogenicity. These variants have been previously reported as pathogenic, and observed in many patients with polycystic kidney disease (DECIPHER). Additional information: This variant is heterozygous; This gene is associated with autosomal dominant disease. Polycystic kidney disease 1 (MIM#173900) is predominantly caused by monoallelic variants, with rare reports of biallelic variants causing disease (OMIM); Loss of function is a known mechanism of disease in this gene and is associated with polycystic kidney disease 1 (MIM#173900); Inheritance information for this variant is not currently available in this individual.

Blueprint Genetics
Classification: Pathogenic for PKD1-related disorders. Last evaluated: 2024-11-26. Review status: criteria provided, single submitter. Criteria: ACMG Guidelines, 2015. Collection method: clinical testing. Allele origin: germline. Affected: yes. Observed: 5 variant alleles.

GeneDx
Classification: Pathogenic. Last evaluated: 2024-11-21. Review status: criteria provided, single submitter. Criteria: GeneDx Variant Classification Process June 2021. Collection method: clinical testing. Allele origin: germline. Affected: yes.
Comment: Nonsense variant predicted to result in protein truncation or nonsense mediated decay in a gene for which loss of function is a known mechanism of disease; Not observed at significant frequency in large population cohorts (gnomAD); This variant is associated with the following publications: (PMID: 25525159, 16456780, 23383103, 30586318, 22508176, 31740684, 29529603, 25333066, 30413633, 35325889)

Ambry Genetics
Classification: Pathogenic for Inborn genetic diseases. Last evaluated: 2024-10-29. Review status: criteria provided, single submitter. Criteria: Ambry Variant Classification Scheme 2023. Collection method: clinical testing. Allele origin: germline.
Comment: The c.12007C>T (p.Q4003*) alteration, located in exon 44 (coding exon 44) of the PKD1 gene, consists of a C to T substitution at nucleotide position 12007. This changes the amino acid from a glutamine (Q) to a stop codon at amino acid position 4003. This alteration is expected to result in loss of function by premature protein truncation or nonsense-mediated mRNA decay. Based on data from gnomAD, the T allele has an overall frequency of <0.001% (1/244454) total alleles studied. The highest observed frequency was 0.001% (1/108304) of European (non-Finnish) alleles. This variant was reported in multiple individuals with features consistent with polycystic kidney disease (Hoefele, 2011; Xu, 2018; Kim, 2019). Based on the available evidence, this alteration is classified as pathogenic.

Dubai Health Genomic Medicine Center, Dubai Health
Classification: Pathogenic for Polycystic kidney disease 1. Last evaluated: 2024-10-04. Review status: criteria provided, single submitter. Criteria: ACMG Guidelines, 2015. Collection method: research. Allele origin: germline. Affected: yes.
Comment: PVS1,PS4

Molecular Genetics of Inherited Kidney Disorders Laboratory, Garvan Institute of Medical Research
Classification: Pathogenic for Autosomal dominant polycystic kidney disease. Last evaluated: 2024-06-05. Review status: criteria provided, single submitter. Criteria: ACMG Guidelines, 2015. Collection method: research. Allele origin: germline. Affected: yes.

Fulgent Genetics
Classification: Pathogenic for Polycystic kidney disease, adult type. Last evaluated: 2024-05-08. Review status: criteria provided, single submitter. Criteria: ACMG Guidelines, 2015. Collection method: clinical testing. Allele origin: germline.

ARUP Laboratories, Molecular Genetics and Genomics, ARUP Laboratories
Classification: Pathogenic. Last evaluated: 2017-08-31. Review status: criteria provided, single submitter. Criteria: ARUP Molecular Germline Variant Investigation Process. Collection method: clinical testing. Allele origin: germline.
Comment: The PKD1 c.12010C>T; p.Gln4004Ter variant (rs766551411) has been reported in two families with autosomal dominant polycystic kidney disease, and segregating with affected individuals (Audrezet 2012). An immortalized cell line carrying the variant shows reduced PKD1 incorporation in the cellular membrane, and absence in the primary cilia (Herbert 2013). This variant is reported as pathogenic in ClinVar (Variation ID: 434006), and is observed in the general population at a low overall frequency of 0.0004% (1/240348 alleles) in the Genome Aggregation Database. This variant introduces a premature termination codon, and is predicted to result in a truncated protein or an absent transcript. Based on the above information, the variant is classified as pathogenic. References: Audrezet M et al. Autosomal dominant polycystic kidney disease: comprehensive mutation analysis of PKD1 and PKD2 in 700 unrelated patients. Hum Mutat. 2012; 33(8):1239-50. Herbert B et al. A telomerase immortalized human proximal tubule cell line with a truncation mutation (Q4004X) in polycystin-1. PLoS One. 2013; 8(1):e55191.

Juno Genomics, Hangzhou Juno Genomics, Inc
Classification: Pathogenic for Polycystic kidney disease, adult type. Review status: criteria provided, single submitter. Criteria: ACMG Guidelines, 2015. Collection method: clinical testing. Allele origin: germline. Affected: yes.
Comment: Null variant in a gene where loss of function (LOF) is a known mechanism of disease.;Absent from controls (or at extremely low frequency if recessive) in Genome Aggregation Database, Exome Sequencing Project, 1000 Genomes Project, or Exome Aggregation Consortium.;The prevalence of the variant in affected individuals is significantly increased compared to the prevalence in controls.;Patient's phenotype or family history is highly specific for a disease with a single genetic etiology.

PreventionGenetics, part of Exact Sciences
Classification: Pathogenic for PKD1-related condition. Last evaluated: 2024-08-06. Review status: no assertion criteria provided. Collection method: clinical testing. Allele origin: germline. Not counted in ClinVar's aggregate classification.
Comment: The PKD1 c.12010C>T variant is predicted to result in premature protein termination (p.Gln4004*). This variant has been reported in individuals with autosomal dominant polycystic kidney disease (ADPKD) (see for example, Trujillano et al. 2014. PubMed ID: 25333066; Xu et al. 2018. PubMed ID: 29529603). This variant is reported in 0.00092% of alleles in individuals of European (Non-Finnish) descent in gnomAD. Nonsense variants in PKD1 are expected to be pathogenic. This variant is interpreted as pathogenic.

Gharavi Laboratory, Columbia University
Classification: Pathogenic. Last evaluated: 2018-09-16. Review status: no assertion criteria provided. Criteria: ACMG Guidelines, 2015. Collection method: research. Allele origin: germline. Affected: yes. Not counted in ClinVar's aggregate classification.

Department of Pathology and Laboratory Medicine, Sinai Health System
Classification: Pathogenic for Polycystic Kidney disease. Review status: no assertion criteria provided. Collection method: clinical testing. Allele origin: unknown. Affected: yes. Study: The Canadian Open Genetics Repository (COGR). Not counted in ClinVar's aggregate classification.
Comment: The PKD1 p.Gln4004X variant was identified in 1 of 24 proband chromosomes from a small â€šÃ„Ãºdiscoveryâ€šÃ„Ã¹ cohort in a study developing NGS sequencing of ADPKD genes (Trjillano 2014). The variant was also identified in dbSNP (ID: rs766551411) and ADPKD Mutation Database (definitely pathogenic). The variant was not found in Clinvitae, COGR, MutDB, PKD1-LOVD, PKD1-LOVD 3.0, NHLBI GO, the Exome Sequencing Project and the Exome Aggregation Consortium database (August 8, 2016). The variant occurs outside of the splicing consensus sequence and in silico or computational prediction software programs (SpliceSiteFinder, MaxEntScan, NNSPLICE, GeneSplicer, HumanSpliceFinder) do not predict a difference in splicing. The p.Gln4004X variant leads to a premature stop codon at position 4004, which is predicted to lead to a truncated or absent protein and loss of function. Loss of function variants of the PKD1 gene are an established mechanism of disease in autosomal dominant polycystic kidney disease and is the type of variant expected to cause the disorder. In summary, based on the above information, this variant meets our laboratoryâ€šÃ„Ã´s criteria to be classified as pathogenic.

Literature cited by the submitters: PubMed 30586318 (cited by Women's Health and Genetics/Laboratory Corporation of America, LabCorp); PubMed 29529603 (cited by 3 submitters); PubMed 38971859 (cited by Women's Health and Genetics/Laboratory Corporation of America, LabCorp); PubMed 21115670 (cited by Ambry Genetics); PubMed 31740684 (cited by Ambry Genetics).

NM_001009944.3(PKD1):c.12010C>T (p.Gln4004Ter)

Gene: PKD1 (polycystin 1, transient receptor potential channel interacting; minus strand). Cytogenetic location: 16p13.3.
Variant type: single nucleotide variant.
Coding change: c.12010C>T on transcript NM_001009944.3 (MANE Select); coding-DNA position 12010, C replaced by T.
Protein change: p.Gln4004Ter; replaces glutamine 4004 with a stop codon.
Molecular consequence: nonsense.
Genome position (GRCh38, 1-based): chr16:2,090,802, G>A on the plus strand (C>T on the coding strand, the complement: PKD1 is on the minus strand). VCF-style: chr16-2090802-G-A. GRCh37 (hg19) VCF-style: chr16-2140803-G-A.
Other names: c.12007C>T, p.Gln4003Ter (NM_000296.4); short protein forms Q4004*, Q4003*.
Identifiers: ClinVar variation 434006 (VCV000434006.31), dbSNP rs766551411, ClinGen allele CA7828876.